The following is an entry in ClinVar:

ClinVar aggregate classification (germline): Uncertain significance (1 of 4 stars; one submission).

Conditions:
Cryptosporidiosis-chronic cholangitis-liver disease syndrome. Also called: Immunodeficiency type 56; IL21R immunodeficiency. Identifiers: Orphanet 357329, MedGen C3554687, MONDO:0014082, OMIM 615207.

Submission:

Labcorp Genetics (formerly Invitae), Labcorp
Classification: Uncertain significance for Cryptosporidiosis-chronic cholangitis-liver disease syndrome. Last evaluated: 2020-06-26. Review status: criteria provided, single submitter. Criteria: Invitae Variant Classification Sherloc (09022015). Collection method: clinical testing. Allele origin: germline.
Comment: This variant has not been reported in the literature in individuals with IL21R-related conditions. This sequence change replaces threonine with isoleucine at codon 129 of the IL21R protein (p.Thr129Ile). The threonine residue is moderately conserved and there is a moderate physicochemical difference between threonine and isoleucine. This variant is not present in population databases (ExAC no frequency). Algorithms developed to predict the effect of missense changes on protein structure and function (SIFT, PolyPhen-2, Align-GVGD) all suggest that this variant is likely to be tolerated, but these predictions have not been confirmed by published functional studies and their clinical significance is uncertain. In summary, the available evidence is currently insufficient to determine the role of this variant in disease. Therefore, it has been classified as a Variant of Uncertain Significance.

NM_181078.3(IL21R):c.386C>T (p.Thr129Ile)

Gene: IL21R (interleukin 21 receptor; plus strand). Cytogenetic location: 16p12.1.
Variant type: single nucleotide variant.
Coding change: c.386C>T on transcript NM_181078.3 (MANE Select); coding-DNA position 386, C replaced by T.
Protein change: p.Thr129Ile; replaces threonine 129 with isoleucine.
Molecular consequence: missense variant.
Genome position (GRCh38, 1-based): chr16:27,442,995, C>T. VCF-style: chr16-27442995-C-T. GRCh37 (hg19) VCF-style: chr16-27454316-C-T.
Other names: c.386C>T, p.Thr129Ile (NM_021798.4); c.452C>T, p.Thr151Ile (NM_181079.5); short protein forms T151I, T129I.
Identifiers: ClinVar variation 843351 (VCV000843351.10), dbSNP rs2087415911, ClinGen allele CA395301853.